The following is an entry in ClinVar:

NM_015374.3(SUN2):c.2078G>A (p.Arg693Gln)

Genes: GTPBP1 (GTP binding protein 1; plus strand), SUN2 (Sad1 and UNC84 domain containing 2; minus strand). Cytogenetic location: 22q13.1.
Variant type: single nucleotide variant.
Coding change: c.2078G>A on transcript NM_015374.3 (MANE Select); coding-DNA position 2078, G replaced by A.
Protein change: p.Arg693Gln; replaces arginine 693 with glutamine.
Molecular consequence: missense variant.
Genome position (GRCh38, 1-based): chr22:38,736,343, C>T on the plus strand (G>A on the coding strand, the complement: SUN2 is on the minus strand). VCF-style: chr22-38736343-C-T. GRCh37 (hg19) VCF-style: chr22-39132348-C-T.
Other names: c.2075G>A, p.Arg692Gln (NM_001394437.1, NM_001394436.1); c.1988G>A, p.Arg663Gln (NM_001394438.1); c.1679G>A, p.Arg560Gln (NM_001394442.1); c.1586G>A, p.Arg529Gln (NM_001394443.1); c.1502G>A, p.Arg501Gln (NM_001394444.1, NM_001394445.1); c.1940G>A, p.Arg647Gln (NM_001394439.1, NM_001394440.1, NM_001394441.1); c.2141G>A, p.Arg714Gln (NM_001199579.2, NM_001394428.1); c.2078G>A, p.Arg693Gln (NM_001199580.2, NM_001394432.1, NM_001394433.1 and 2 more transcripts); and 2 more; short protein forms R714Q, R647Q, R693Q, R724Q, R501Q, R529Q, R692Q, R708Q.
Identifiers: ClinVar variation 1445015 (VCV001445015.6), dbSNP rs137996727, ClinGen allele CA10235307.

ClinVar aggregate classification (germline): Uncertain significance (1 of 4 stars; one submission).

Conditions:
Emery-Dreifuss muscular dystrophy (EDMD). Also called: Scapuloperoneal syndrome, X-linked (formerly); Humeroperoneal neuromuscular disease, (formerly). Identifiers: Orphanet 261, MedGen C0410189, MONDO:0016830.

gnomAD v4.1: 15 of 1,613,804 alleles (0.00093%); highest among the groups gnomAD compares: African/African-American, 0.0053%; no homozygotes.

Submission:

Labcorp Genetics (formerly Invitae), Labcorp
Classification: Uncertain significance for Emery-Dreifuss muscular dystrophy. Last evaluated: 2022-01-03. Review status: criteria provided, single submitter. Criteria: Invitae Variant Classification Sherloc (09022015). Collection method: clinical testing. Allele origin: germline.
Comment: In summary, the available evidence is currently insufficient to determine the role of this variant in disease. Therefore, it has been classified as a Variant of Uncertain Significance. Algorithms developed to predict the effect of missense changes on protein structure and function are either unavailable or do not agree on the potential impact of this missense change (SIFT: "Deleterious"; PolyPhen-2: "Probably Damaging"; Align-GVGD: "Class C0"). This variant has not been reported in the literature in individuals affected with SUN2-related conditions. This variant is present in population databases (rs137996727, gnomAD 0.008%). This sequence change replaces arginine, which is basic and polar, with glutamine, which is neutral and polar, at codon 693 of the SUN2 protein (p.Arg693Gln).